The following is an entry in ClinVar:

ClinVar aggregate classification (germline): Likely benign (1 of 4 stars; one submission).

Allele frequency attached by ClinVar (database versions not stated): gnomAD 0.00001; gnomAD exomes 0.00001.
gnomAD v4.1: 13 of 1,612,648 alleles (0.00081%); highest among the groups gnomAD compares: East Asian, 0.0022%; no homozygotes.

Submission:

CeGaT Center for Human Genetics Tuebingen
Classification: Likely benign. Last evaluated: 2023-10-01. Review status: criteria provided, single submitter. Criteria: CeGaT Center For Human Genetics Tuebingen Variant Classification Criteria Version 2. Collection method: clinical testing. Allele origin: germline. Affected: yes. Observed: 1 variant allele.
Comment: NSD1: BP4, BS2

NM_022455.5(NSD1):c.1236+5G>A

Gene: NSD1 (nuclear receptor binding SET domain protein 1; plus strand). Cytogenetic location: 5q35.3.
Variant type: single nucleotide variant.
Coding change: c.1236+5G>A on transcript NM_022455.5 (MANE Select); 5 bases into the intron after coding-DNA position 1236, G replaced by A.
Molecular consequence: intron variant.
Genome position (GRCh38, 1-based): chr5:177,204,297, G>A. VCF-style: chr5-177204297-G-A. GRCh37 (hg19) VCF-style: chr5-176631298-G-A.
Other names: c.1236+5G>A (NM_001409301.1, NM_001409302.1, NM_001409303.1); c.816+5G>A (NM_001409304.1); c.483+5G>A (NM_001409305.1); c.363+5G>A (NM_001409306.1, NM_001409308.1, NM_001409307.1 and 3 more transcripts).
Identifiers: ClinVar variation 2656101 (VCV002656101.24), dbSNP rs910451391, ClinGen allele CA132826131.